The following is an entry in ClinVar:

NM_006662.3(SRCAP):c.7211C>T (p.Ala2404Val)

Gene: SRCAP (Snf2 related CREBBP activator protein; plus strand). Cytogenetic location: 16p11.2.
Variant type: single nucleotide variant.
Coding change: c.7211C>T on transcript NM_006662.3 (MANE Select); coding-DNA position 7211, C replaced by T.
Protein change: p.Ala2404Val; replaces alanine 2404 with valine.
Molecular consequence: missense variant.
Genome position (GRCh38, 1-based): chr16:30,737,251, C>T. VCF-style: chr16-30737251-C-T. GRCh37 (hg19) VCF-style: chr16-30748572-C-T.
Other names: short protein forms A2404V.
Identifiers: ClinVar variation 3449239 (VCV003449239.4).

ClinVar aggregate classification (germline): Uncertain significance. Review status: criteria provided, multiple submitters, no conflicts (2 of 4 stars). 3 submissions from 3 submitters: Uncertain significance (3). Last evaluated 2025-06-09.

Conditions:
Developmental delay, hypotonia, musculoskeletal defects, and behavioral abnormalities. Identifiers: MedGen C5562012, MONDO:0859202, OMIM 619595.
Floating-Harbor syndrome (FLHS). Also called: SRCAP-Related Floating-Harbor Syndrome; Short stature with delayed bone age, expressive language delay, a triangular face with a prominent nose and deep-set eyes; Pelletier-Leisti syndrome. Identifiers: Orphanet 2044, MedGen C0729582, MONDO:0007621, OMIM 136140.
Inborn genetic diseases. Identifiers: MedGen C0950123, MeSH D030342.

gnomAD v4.1: 2 of 1,613,942 alleles (0.00012%); highest among the groups gnomAD compares: African/African-American, 0.0027%; no homozygotes.

Submissions (3):

Labcorp Genetics (formerly Invitae), Labcorp
Classification: Uncertain significance. Last evaluated: 2025-06-09. Review status: criteria provided, single submitter. Criteria: Invitae Variant Classification Sherloc (09022015). Collection method: clinical testing. Allele origin: germline.
Comment: This sequence change replaces alanine, which is neutral and non-polar, with valine, which is neutral and non-polar, at codon 2404 of the SRCAP protein (p.Ala2404Val). This variant is not present in population databases (gnomAD no frequency). This variant has not been reported in the literature in individuals affected with SRCAP-related conditions. ClinVar contains an entry for this variant (Variation ID: 3449239). Invitae Evidence Modeling of protein sequence and biophysical properties (such as structural, functional, and spatial information, amino acid conservation, physicochemical variation, residue mobility, and thermodynamic stability) indicates that this missense variant is not expected to disrupt SRCAP protein function with a negative predictive value of 80%. In summary, the available evidence is currently insufficient to determine the role of this variant in disease. Therefore, it has been classified as a Variant of Uncertain Significance.

Ambry Genetics
Classification: Uncertain significance for Inborn genetic diseases. Last evaluated: 2024-11-13. Review status: criteria provided, single submitter. Criteria: Ambry Variant Classification Scheme 2023. Collection method: clinical testing. Allele origin: germline.

Fulgent Genetics
Classification: Uncertain significance for Floating-Harbor syndrome; Developmental delay, hypotonia, musculoskeletal defects, and behavioral abnormalities. Last evaluated: 2024-06-21. Review status: criteria provided, single submitter. Criteria: ACMG Guidelines, 2015. Collection method: clinical testing. Allele origin: germline.